The following is an entry in ClinVar:

ClinVar aggregate classification (germline): Uncertain significance (1 of 4 stars; one submission).

Conditions:
Normophosphatemic familial tumoral calcinosis. Also called: CALCINOSIS, TUMORAL, WITH NORMOPHOSPHATEMIA. Identifiers: Orphanet 306658, Orphanet 53715, MedGen C1864861, MONDO:0012502, OMIM 610455.

Submission:

Myriad Genetics, Inc.
Classification: Uncertain significance for Normophosphatemic familial tumoral calcinosis. Last evaluated: 2026-02-24. Review status: criteria provided, single submitter. Criteria: Myriad Autosomal Dominant, Autosomal Recessive and X-Linked Classification Criteria (2023). Collection method: clinical testing. Allele origin: unknown.
Comment: NM_017654.3(SAMD9):c.3257_3258delAAinsC(Q1086Pfs*18) is a frameshift variant classified as a variant of uncertain significance in the context of normophosphatemic familial tumoral calcinosis. Q1086Pfs*18 has not been observed in cases with relevant disease. Relevant functional assessments of this variant are not available in the literature. Q1086Pfs*18 has not been observed in referenced population frequency databases. In summary, there is insufficient evidence to classify NM_017654.3(SAMD9):c.3257_3258delAAinsC(Q1086Pfs*18) as pathogenic or benign. Please note: this variant was assessed in the context of healthy population screening.

NM_017654.4(SAMD9):c.3257_3258delinsC (p.Gln1086fs)

Gene: SAMD9 (sterile alpha motif domain containing 9; minus strand). Cytogenetic location: 7q21.2.
Variant type: Indel.
Coding change: c.3257_3258delinsC on transcript NM_017654.4 (MANE Select); coding-DNA positions 3257 to 3258, AA replaced by C.
Protein change: p.Gln1086fs; shifts the reading frame from glutamine 1086.
Molecular consequence: frameshift variant.
Genome position (GRCh38, 1-based): chr7:93,102,840-93,102,841, TT replaced by G on the plus strand (AA replaced by C on the coding strand, the reverse complement: SAMD9 is on the minus strand). VCF-style: chr7-93102840-TT-G. GRCh37 (hg19) VCF-style: chr7-92732153-TT-G.
Other names: c.3257_3258delinsC, p.Gln1086fs (NM_001193307.2); short protein forms Q1086fs.
Identifiers: ClinVar variation 5003717 (VCV005003717.1).
Genomic context (GRCh38, chr7:93,102,840, plus strand): 5'-TGCCCAGTTTAGAGCATTGCCAAAGTCCTTCTTTTTAATGTAGAAATGTCTTGCCAACGC[TT>G]GGCAAATGAATGCATTTGGGTTGAACCGATGGATACTTTCAAGCAATACAGCTTCAACTG-3'